The following is an entry in ClinVar:

ClinVar aggregate classification (germline): Uncertain significance. Review status: criteria provided, multiple submitters, no conflicts (2 of 4 stars). 2 submissions from 2 submitters: Uncertain significance (2). Last evaluated 2025-10-31.

Conditions:
Autosomal recessive limb-girdle muscular dystrophy type 2J (LGMDR10). Also called: Limb-girdle muscular dystrophy, type 2J; MUSCULAR DYSTROPHY, LIMB-GIRDLE, AUTOSOMAL RECESSIVE 10. Identifiers: Orphanet 140922, MedGen C1837342, MONDO:0012127, OMIM 608807.
Dilated cardiomyopathy 1G (CMD1G). Identifiers: Orphanet 154, MedGen C1858763, MONDO:0011400, OMIM 604145.
TTN-related disorder. Also called: TTN-related condition; TTN-related disease; TTN-related disorders.

Allele frequency attached by ClinVar (database versions not stated): TOPMed 0.00001; ExAC 0.00002.
gnomAD v4.1: 28 of 1,613,210 alleles (0.0017%); highest among the groups gnomAD compares: Admixed American, 0.012%; no homozygotes.

Submissions (2):

PreventionGenetics, part of Exact Sciences
Classification: Uncertain significance for TTN-related condition. Last evaluated: 2025-10-31. Review status: criteria provided, single submitter. Criteria: ACMG Guidelines, 2015. Collection method: clinical testing. Allele origin: germline.
Comment: The TTN c.25600G>T variant is predicted to result in the amino acid substitution p.Ala8534Ser. To our knowledge, this variant has not been reported in the literature. This variant is reported in 0.017% of alleles in individuals of Latino descent in gnomAD. At this time, the clinical significance of this variant is uncertain due to the absence of conclusive functional and genetic evidence.

Labcorp Genetics (formerly Invitae), Labcorp
Classification: Uncertain significance for Dilated cardiomyopathy 1G; Autosomal recessive limb-girdle muscular dystrophy type 2J. Last evaluated: 2017-03-15. Review status: criteria provided, single submitter. Criteria: Invitae Variant Classification Sherloc (09022015). Collection method: clinical testing. Allele origin: germline.

NM_001267550.2(TTN):c.25600G>T (p.Ala8534Ser)

Gene: TTN (titin; minus strand). Cytogenetic location: 2q31.2.
Variant type: single nucleotide variant.
Coding change: c.25600G>T on transcript NM_001267550.2 (MANE Select); coding-DNA position 25600, G replaced by T.
Protein change: p.Ala8534Ser; replaces alanine 8534 with serine.
Molecular consequence: missense variant. On other transcripts: intron variant (3).
Genome position (GRCh38, 1-based): chr2:178,717,134, C>A on the plus strand (G>T on the coding strand, the complement: TTN is on the minus strand). VCF-style: chr2-178717134-C-A. GRCh37 (hg19) VCF-style: chr2-179581861-C-A.
Other names: c.24649G>T, p.Ala8217Ser (NM_001256850.1); c.21868G>T, p.Ala7290Ser (NM_133378.4); c.13282+20948G>T (NM_003319.4); c.13858+20948G>T (NM_133437.4); c.13657+20948G>T (NM_133432.3); short protein forms A8534S, A7290S, A8217S.
Identifiers: ClinVar variation 466949 (VCV000466949.4), dbSNP rs779163897, ClinGen allele CA2000189.